The following is an entry in ClinVar:

ClinVar aggregate classification (germline): Benign (1 of 4 stars; one submission).

Conditions:
Kleefstra syndrome 1 (KLEFS1). Identifiers: Orphanet 261494, MedGen C0795833, MONDO:0027407, OMIM 610253.

Submission:

Laboratory of Genetics, Children's Clinical University Hospital Latvia
Classification: Benign for Kleefstra syndrome 1. Review status: criteria provided, single submitter. Criteria: ACMG Guidelines, 2015. Collection method: curation. Allele origin: de novo. Affected: yes.
Comment: de novo

Literature cited by the submitters: PubMed 39013458.

NM_024757.5(EHMT1):c.823G>A (p.Ala275Thr)

Gene: EHMT1 (euchromatic histone lysine methyltransferase 1; plus strand). Cytogenetic location: 9q34.3.
Variant type: single nucleotide variant.
Coding change: c.823G>A on transcript NM_024757.5 (MANE Select); coding-DNA position 823, G replaced by A.
Protein change: p.Ala275Thr; replaces alanine 275 with threonine.
Molecular consequence: missense variant.
Genome position (GRCh38, 1-based): chr9:137,728,529, G>A. VCF-style: chr9-137728529-G-A. GRCh37 (hg19) VCF-style: chr9-140622981-G-A.
Other names: c.823G>A, p.Ala275Thr (NM_001145527.2, NM_001354263.2, NM_001354611.2); c.730G>A, p.Ala244Thr (NM_001354259.2, NM_001354612.2); short protein forms A244T, A275T.
Identifiers: ClinVar variation 3236911 (VCV003236911.1).